The following is an entry in ClinVar:

NM_001025603.2(RFX5):c.962A>G (p.Gln321Arg)

Gene: RFX5 (regulatory factor X5; minus strand). Cytogenetic location: 1q21.3.
Variant type: single nucleotide variant.
Coding change: c.962A>G on transcript NM_001025603.2 (MANE Select); coding-DNA position 962, A replaced by G.
Protein change: p.Gln321Arg; replaces glutamine 321 with arginine.
Molecular consequence: missense variant.
Genome position (GRCh38, 1-based): chr1:151,343,075, T>C on the plus strand (A>G on the coding strand, the complement: RFX5 is on the minus strand). VCF-style: chr1-151343075-T-C. GRCh37 (hg19) VCF-style: chr1-151315551-T-C.
Other names: c.962A>G, p.Gln321Arg (NM_000449.4, NM_001379412.1, NM_001379413.1 and 5 more transcripts); c.842A>G, p.Gln281Arg (NM_001379419.1, NM_001379420.1); short protein forms Q321R, Q281R.
Identifiers: ClinVar variation 1924296 (VCV001924296.2), dbSNP rs781688064, ClinGen allele CA1089695.

ClinVar aggregate classification (germline): Uncertain significance (1 of 4 stars; one submission).

Conditions:
MHC class II deficiency. Also called: Bare lymphocyte syndrome 2; BLS, TYPE II. Identifiers: Orphanet 572, MedGen C5447452, MONDO:0008855.

Allele frequency attached by ClinVar (database versions not stated): gnomAD exomes 0.00001; ExAC 0.00002.
gnomAD v4.1: 3 of 1,613,518 alleles (0.00019%); highest among the groups gnomAD compares: Non-Finnish European, 0.00025%; no homozygotes.

Submission:

Labcorp Genetics (formerly Invitae), Labcorp
Classification: Uncertain significance for MHC class II deficiency. Last evaluated: 2021-09-01. Review status: criteria provided, single submitter. Criteria: Invitae Variant Classification Sherloc (09022015). Collection method: clinical testing. Allele origin: germline.
Comment: This sequence change replaces glutamine with arginine at codon 321 of the RFX5 protein (p.Gln321Arg). The glutamine residue is moderately conserved and there is a small physicochemical difference between glutamine and arginine. This variant is present in population databases (rs781688064, ExAC 0.003%). This variant has not been reported in the literature in individuals affected with RFX5-related conditions. Algorithms developed to predict the effect of missense changes on protein structure and function (SIFT, PolyPhen-2, Align-GVGD) all suggest that this variant is likely to be tolerated. In summary, the available evidence is currently insufficient to determine the role of this variant in disease. Therefore, it has been classified as a Variant of Uncertain Significance.